The following is an entry in ClinVar:

ClinVar aggregate classification (germline): Uncertain significance (1 of 4 stars; one submission).

Allele frequency attached by ClinVar (database versions not stated): gnomAD exomes 0.00001; gnomAD 0.00002; TOPMed 0.00002.
gnomAD v4.1: 9 of 1,209,353 alleles (0.00074%); highest among the groups gnomAD compares: Non-Finnish European, 0.001%; no homozygotes.

Submission:

CeGaT Center for Human Genetics Tuebingen
Classification: Uncertain significance. Last evaluated: 2023-07-01. Review status: criteria provided, single submitter. Criteria: CeGaT Center For Human Genetics Tuebingen Variant Classification Criteria Version 2. Collection method: clinical testing. Allele origin: germline. Affected: yes. Observed: 1 variant allele.
Comment: TAF1: PM2, BP4

NM_004606.5(TAF1):c.230A>C (p.Asp77Ala)

Gene: TAF1 (TATA-box binding protein associated factor 1; plus strand). Cytogenetic location: Xq13.1.
Variant type: single nucleotide variant.
Coding change: c.230A>C on transcript NM_004606.5 (MANE Select); coding-DNA position 230, A replaced by C.
Protein change: p.Asp77Ala; replaces aspartic acid 77 with alanine.
Molecular consequence: missense variant. On other transcripts: non-coding transcript variant (9).
Genome position (GRCh38, 1-based): chrX:71,367,608, A>C. VCF-style: chrX-71367608-A-C. GRCh37 (hg19) VCF-style: chrX-70587458-A-C.
Other names: c.230A>C, p.Asp77Ala (NM_001286074.2, NM_138923.4); short protein forms D77A.
Identifiers: ClinVar variation 2660873 (VCV002660873.24), dbSNP rs1189398402, ClinGen allele CA413504741.